The following is an entry in ClinVar:

ClinVar aggregate classification (germline): Uncertain significance (1 of 4 stars; one submission).

Conditions:
Brachyolmia-amelogenesis imperfecta syndrome. Also called: Tooth agenesis, selective, 6; Dental anomalies and short stature; PLATYSPONDYLY WITH AMELOGENESIS IMPERFECTA. Identifiers: Orphanet 2899, MedGen C1832594, MONDO:0011018, OMIM 601216. Disease mechanism: loss of function.

Submission:

Labcorp Genetics (formerly Invitae), Labcorp
Classification: Uncertain significance for Brachyolmia-amelogenesis imperfecta syndrome. Last evaluated: 2025-06-18. Review status: criteria provided, single submitter. Criteria: Invitae Variant Classification Sherloc (09022015). Collection method: clinical testing. Allele origin: germline.
Comment: This sequence change replaces glutamic acid, which is acidic and polar, with alanine, which is neutral and non-polar, at codon 790 of the LTBP3 protein (p.Glu790Ala). This variant is not present in population databases (gnomAD no frequency). This variant has not been reported in the literature in individuals affected with LTBP3-related conditions. An algorithm developed to predict the effect of missense changes on protein structure and function (PolyPhen-2) suggests that this variant is likely to be tolerated. In summary, the available evidence is currently insufficient to determine the role of this variant in disease. Therefore, it has been classified as a Variant of Uncertain Significance.

NM_001130144.3(LTBP3):c.2369A>C (p.Glu790Ala)

Gene: LTBP3 (latent transforming growth factor beta binding protein 3; minus strand). Cytogenetic location: 11q13.1.
Variant type: single nucleotide variant.
Coding change: c.2369A>C on transcript NM_001130144.3 (MANE Select); coding-DNA position 2369, A replaced by C.
Protein change: p.Glu790Ala; replaces glutamic acid 790 with alanine.
Molecular consequence: missense variant.
Genome position (GRCh38, 1-based): chr11:65,543,534, T>G on the plus strand (A>C on the coding strand, the complement: LTBP3 is on the minus strand). VCF-style: chr11-65543534-T-G. GRCh37 (hg19) VCF-style: chr11-65311005-T-G.
Other names: c.2018A>C, p.Glu673Ala (NM_001164266.1); c.2369A>C, p.Glu790Ala (NM_021070.4); short protein forms E673A, E790A.
Identifiers: ClinVar variation 4773141 (VCV004773141.1).